The following is an entry in ClinVar:

NM_007347.5(AP4E1):c.141dup (p.Ser48fs)

Gene: AP4E1 (adaptor related protein complex 4 subunit epsilon 1; plus strand). Cytogenetic location: 15q21.2.
Variant type: Duplication.
Coding change: c.141dup on transcript NM_007347.5 (MANE Select); coding-DNA position 141, one base duplicated (C; older notation c.141dupC).
Protein change: p.Ser48fs; shifts the reading frame from serine 48.
Molecular consequence: frameshift variant. On other transcripts: 5 prime UTR variant (1).
Genome position (GRCh38, 1-based): chr15:50,908,919, C duplicated; the last of 2 consecutive C bases (chr15:50,908,918-50,908,919); duplicating either gives the same sequence. VCF-style (leftmost placement, unchanged base first): chr15-50908917-A-AC. GRCh37 (hg19) VCF-style: chr15-51201114-A-AC.
Other names: c.-108dup (NM_001252127.2); short protein forms S48fs.
Identifiers: ClinVar variation 4851795 (VCV004851795.1).

ClinVar aggregate classification (germline): Likely pathogenic (1 of 4 stars; one submission).

Submission:

Dasa
Classification: Likely pathogenic. Last evaluated: 2024-09-24. Review status: criteria provided, single submitter. Criteria: DASA Assertion Criteria. Collection method: clinical testing. Allele origin: germline.
Comment: NM_007347.5(AP4E1):c.141dup (p.Ser48Leufs*15) introduces a premature termination codon predicted to result in loss of normal protein function. Loss-of-function is an established mechanism of disease for this gene. Based on the available data, this variant is classified as likely pathogenic.